The following is an entry in ClinVar:

ClinVar aggregate classification (germline): Uncertain significance. Review status: criteria provided, multiple submitters, no conflicts (2 of 4 stars). 2 submissions from 2 submitters: Uncertain significance (2). Last evaluated 2022-11-02.

Conditions:
Ataxia-telangiectasia syndrome (AT). Also called: AT, COMPLEMENTATION GROUP C; Cerebello-oculocutaneous telangiectasia; Immunodeficiency with ataxia telangiectasia; Ataxia-telangiectasia, complementation group D; ATAXIA-TELANGIECTASIA, FRESNO VARIANT; Ataxia-telangiectasia, complementation group E. Identifiers: Orphanet 100, MedGen C0004135, MONDO:0008840, OMIM 208900.
Hereditary cancer-predisposing syndrome. Also called: Hereditary neoplastic syndrome; Neoplastic Syndromes, Hereditary; Hereditary Cancer Syndrome; Tumor predisposition. Identifiers: Orphanet 140162, MedGen C0027672, MeSH D009386, MONDO:0015356.

Submissions (2):

Ambry Genetics
Classification: Uncertain significance for Hereditary cancer-predisposing syndrome. Last evaluated: 2022-11-02. Review status: criteria provided, single submitter. Criteria: Ambry Variant Classification Scheme 2023. Collection method: clinical testing. Allele origin: germline.
Comment: The p.I1393L variant (also known as c.4177A>C), located in coding exon 27 of the ATM gene, results from an A to C substitution at nucleotide position 4177. The isoleucine at codon 1393 is replaced by leucine, an amino acid with highly similar properties. This amino acid position is conserved. In addition, this alteration is predicted to be tolerated by in silico analysis. Since supporting evidence is limited at this time, the clinical significance of this alteration remains unclear.

Labcorp Genetics (formerly Invitae), Labcorp
Classification: Uncertain significance for Ataxia-telangiectasia syndrome. Last evaluated: 2021-06-06. Review status: criteria provided, single submitter. Criteria: Invitae Variant Classification Sherloc (09022015). Collection method: clinical testing. Allele origin: germline.
Comment: This sequence change replaces isoleucine with leucine at codon 1393 of the ATM protein (p.Ile1393Leu). The isoleucine residue is moderately conserved and there is a small physicochemical difference between isoleucine and leucine. This variant is not present in population databases (ExAC no frequency). This variant has not been reported in the literature in individuals with ATM-related disease. Algorithms developed to predict the effect of missense changes on protein structure and function (SIFT, PolyPhen-2, Align-GVGD) all suggest that this variant is likely to be tolerated, but these predictions have not been confirmed by published functional studies and their clinical significance is uncertain. In summary, the available evidence is currently insufficient to determine the role of this variant in disease. Therefore, it has been classified as a Variant of Uncertain Significance.

NM_000051.4(ATM):c.4177A>C (p.Ile1393Leu)

Gene: ATM (ATM serine/threonine kinase; plus strand). Cytogenetic location: 11q22.3.
Variant type: single nucleotide variant.
Coding change: c.4177A>C on transcript NM_000051.4 (MANE Select); coding-DNA position 4177, A replaced by C.
Protein change: p.Ile1393Leu; replaces isoleucine 1393 with leucine.
Molecular consequence: missense variant.
Genome position (GRCh38, 1-based): chr11:108,289,044, A>C. VCF-style: chr11-108289044-A-C. GRCh37 (hg19) VCF-style: chr11-108159771-A-C.
Other names: c.4177A>C, p.Ile1393Leu (NM_001351834.2); short protein forms I1393L.
Identifiers: ClinVar variation 571743 (VCV000571743.10), dbSNP rs1565455097, ClinGen allele CA382530196.
Genomic context (GRCh38, chr11:108,289,044, plus strand): 5'-GATCCTGCTCCTAATCCACCTCATTTTCCATCGCATGTGATTAAAGCAACATTTGCCTAT[A>C]TCAGCAATTGTCATAAAACCAAGTTAAAAAGCATTTTAGAAATTCTTTCCAAAAGCCCTG-3'
Protein context (NP_000042.3, residues 1383-1403): SHVIKATFAY[Ile1393Leu]SNCHKTKLKS